The following is an entry in ClinVar:

ClinVar aggregate classification (germline): Uncertain significance (1 of 4 stars; one submission).

Conditions:
Laurence-Moon syndrome (LNMS). Also called: PNPLA6-Related Laurence-Moon Syndrome (LMS). Identifiers: Orphanet 2377, MedGen C0023138, MONDO:0009514, OMIM 245800.

Allele frequency attached by ClinVar (database versions not stated): gnomAD exomes below 0.00001.
gnomAD v4.1: 1 of 1,613,444 alleles (0.000062%); highest among the groups gnomAD compares: Non-Finnish European, 0.000085%; no homozygotes.

Submission:

Victorian Clinical Genetics Services, Murdoch Childrens Research Institute
Classification: Uncertain significance for Laurence-Moon syndrome. Last evaluated: 2020-05-26. Review status: criteria provided, single submitter. Criteria: ACMG Guidelines, 2015. Collection method: clinical testing. Allele origin: germline. Inheritance: Autosomal recessive inheritance.
Comment: Based on the classification scheme VCGS_Germline_v1.1.1, this variant is classified as VUS – 3C. Following criteria are met: 0102 - Loss-of-function is a known mechanism of disease for this gene. (N) 0106 - This gene is known to be associated with autosomal recessive disease. (N) 0200 - Variant is predicted to result in a missense amino acid change from valine to methionine (exon 17). (N) 0251 - Variant is heterozygous. (N) 0301 - Variant is absent from gnomAD. (P) 0503 - Missense variant consistently predicted to be tolerated or not conserved in mammals with a minor amino acid change. (B) 0600 - Variant is located in an annotated domain or motif, (CAP_ED domain; NCBI). (N) 0705 - No comparable variants have previous evidence for pathogenicity. (N) 0807 - Variant has not previously been reported in a clinical context. (N) 0905 - No segregation evidence has been identified for this variant. (N) 1007 - No published functional evidence has been identified for this variant. (N) 1208 - Inheritance information for this variant is not currently available. (N) Legend: (P) - Pathogenic, (N) - Neutral, (B) - Benign

NM_001166114.2(PNPLA6):c.1612G>A (p.Val538Met)

Gene: PNPLA6 (patatin like domain 6, lysophospholipase; plus strand). Cytogenetic location: 19p13.2.
Variant type: single nucleotide variant.
Coding change: c.1612G>A on transcript NM_001166114.2 (MANE Select); coding-DNA position 1612, G replaced by A.
Protein change: p.Val538Met; replaces valine 538 with methionine.
Molecular consequence: missense variant.
Genome position (GRCh38, 1-based): chr19:7,549,910, G>A. VCF-style: chr19-7549910-G-A. GRCh37 (hg19) VCF-style: chr19-7614796-G-A.
Other names: c.1639G>A, p.Val547Met (NM_001166111.2); c.1417G>A, p.Val473Met (NM_001166112.2); c.1495G>A, p.Val499Met (NM_001166113.1, NM_006702.5); short protein forms V473M, V499M, V538M, V547M.
Identifiers: ClinVar variation 1805817 (VCV001805817.1), dbSNP rs2512531860, ClinGen allele CA403118756.